The following is an entry in ClinVar:

NM_001164665.2(KIAA1549):c.4124C>T (p.Ala1375Val)

Gene: KIAA1549 (KIAA1549; minus strand). Cytogenetic location: 7q34.
Variant type: single nucleotide variant.
Coding change: c.4124C>T on transcript NM_001164665.2 (MANE Select); coding-DNA position 4124, C replaced by T.
Protein change: p.Ala1375Val; replaces alanine 1375 with valine.
Molecular consequence: missense variant.
Genome position (GRCh38, 1-based): chr7:138,881,493, G>A on the plus strand (C>T on the coding strand, the complement: KIAA1549 is on the minus strand). VCF-style: chr7-138881493-G-A. GRCh37 (hg19) VCF-style: chr7-138566239-G-A.
Other names: c.4124C>T, p.Ala1375Val (NM_020910.3); short protein forms A1375V.
Identifiers: ClinVar variation 1055092 (VCV001055092.6), dbSNP rs762192541, ClinGen allele CA4506000.

ClinVar aggregate classification (germline): Uncertain significance (1 of 4 stars; one submission).

Allele frequency attached by ClinVar (database versions not stated): gnomAD 0.00001; gnomAD exomes 0.00001 and 0.00005; TOPMed 0.00002; ExAC 0.00006.
gnomAD v4.1: 20 of 1,613,866 alleles (0.0012%); highest among the groups gnomAD compares: Admixed American, 0.023%; no homozygotes.

Submission:

Labcorp Genetics (formerly Invitae), Labcorp
Classification: Uncertain significance. Last evaluated: 2024-04-29. Review status: criteria provided, single submitter. Criteria: Invitae Variant Classification Sherloc (09022015). Collection method: clinical testing. Allele origin: germline.
Comment: This sequence change replaces alanine, which is neutral and non-polar, with valine, which is neutral and non-polar, at codon 1375 of the KIAA1549 protein (p.Ala1375Val). This variant is present in population databases (rs762192541, gnomAD 0.03%). This variant has not been reported in the literature in individuals affected with KIAA1549-related conditions. ClinVar contains an entry for this variant (Variation ID: 1055092). Algorithms developed to predict the effect of missense changes on protein structure and function output the following: SIFT: "Not Available"; PolyPhen-2: "Benign"; Align-GVGD: "Not Available". The valine amino acid residue is found in multiple mammalian species, which suggests that this missense change does not adversely affect protein function. In summary, the available evidence is currently insufficient to determine the role of this variant in disease. Therefore, it has been classified as a Variant of Uncertain Significance.